The following is an entry in ClinVar:

NM_001037131.3(AGAP1):c.1553C>T (p.Pro518Leu)

Gene: AGAP1 (ArfGAP with GTPase domain, ankyrin repeat and PH domain 1; plus strand). Cytogenetic location: 2q37.2.
Variant type: single nucleotide variant.
Coding change: c.1553C>T on transcript NM_001037131.3 (MANE Select); coding-DNA position 1553, C replaced by T.
Protein change: p.Pro518Leu; replaces proline 518 with leucine.
Molecular consequence: missense variant.
Genome position (GRCh38, 1-based): chr2:235,968,531, C>T. VCF-style: chr2-235968531-C-T. GRCh37 (hg19) VCF-style: chr2-236877175-C-T.
Other names: c.1394C>T, p.Pro465Leu (NM_014914.5); short protein forms P465L, P518L.
Identifiers: ClinVar variation 3671291 (VCV003671291.2).

ClinVar aggregate classification (germline): Uncertain significance (1 of 4 stars; one submission).

Submission:

Labcorp Genetics (formerly Invitae), Labcorp
Classification: Uncertain significance. Last evaluated: 2024-12-05. Review status: criteria provided, single submitter. Criteria: Invitae Variant Classification Sherloc (09022015). Collection method: clinical testing. Allele origin: germline.
Comment: This sequence change replaces proline, which is neutral and non-polar, with leucine, which is neutral and non-polar, at codon 465 of the AGAP1 protein (p.Pro465Leu). This variant is present in population databases (rs199499559, gnomAD 0.03%). This variant has not been reported in the literature in individuals affected with AGAP1-related conditions. An algorithm developed to predict the effect of missense changes on protein structure and function (PolyPhen-2) suggests that this variant is likely to be tolerated. In summary, the available evidence is currently insufficient to determine the role of this variant in disease. Therefore, it has been classified as a Variant of Uncertain Significance.